The following is an entry in ClinVar:

ClinVar aggregate classification (germline): Uncertain significance (1 of 4 stars; one submission).

gnomAD v4.1: 1 of 1,502,804 alleles (0.000067%); highest among the groups gnomAD compares: Non-Finnish European, 0.000088%; no homozygotes.

Submission:

Labcorp Genetics (formerly Invitae), Labcorp
Classification: Uncertain significance. Last evaluated: 2023-11-15. Review status: criteria provided, single submitter. Criteria: Invitae Variant Classification Sherloc (09022015). Collection method: clinical testing. Allele origin: germline.
Comment: This sequence change replaces arginine, which is basic and polar, with glycine, which is neutral and non-polar, at codon 1042 of the ZNF469 protein (p.Arg1042Gly). This variant is not present in population databases (gnomAD no frequency). This variant has not been reported in the literature in individuals affected with ZNF469-related conditions. Algorithms developed to predict the effect of missense changes on protein structure and function output the following: SIFT: "Not Available"; PolyPhen-2: "Benign"; Align-GVGD: "Not Available". The glycine amino acid residue is found in multiple mammalian species, which suggests that this missense change does not adversely affect protein function. In summary, the available evidence is currently insufficient to determine the role of this variant in disease. Therefore, it has been classified as a Variant of Uncertain Significance.

NM_001367624.2(ZNF469):c.3124C>G (p.Arg1042Gly)

Gene: ZNF469 (zinc finger protein 469; plus strand). Cytogenetic location: 16q24.2.
Variant type: single nucleotide variant.
Coding change: c.3124C>G on transcript NM_001367624.2 (MANE Select); coding-DNA position 3124, C replaced by G.
Protein change: p.Arg1042Gly; replaces arginine 1042 with glycine.
Molecular consequence: missense variant.
Genome position (GRCh38, 1-based): chr16:88,430,594, C>G. VCF-style: chr16-88430594-C-G. GRCh37 (hg19) VCF-style: chr16-88497002-C-G.
Other names: short protein forms R1042G.
Identifiers: ClinVar variation 2696195 (VCV002696195.2), dbSNP rs1345294397, ClinGen allele CA397077652.
Genomic context (GRCh38, chr16:88,430,594, plus strand): 5'-ACCCGCAGCTCCCGGCGCCGCCGGCTGCCCCCCAGGAAGGACCCCAGGAAGAGGAAGGCT[C>G]GGGGCGGCGCCTGGGGCAAGGAGCTCATTCTGAAGATCGTGCAGCAGAAGAACAGGCGCC-3'
Protein context (NP_001354553.1, residues 1032-1052): PRKDPRKRKA[Arg1042Gly]GGAWGKELIL